The following is an entry in ClinVar:

NM_001232.4(CASQ2):c.421-18G>C

Gene: CASQ2 (calsequestrin 2; minus strand). Cytogenetic location: 1p13.1.
Variant type: single nucleotide variant.
Coding change: c.421-18G>C on transcript NM_001232.4 (MANE Select); 18 bases into the intron before coding-DNA position 421, G replaced by C.
Molecular consequence: intron variant.
Genome position (GRCh38, 1-based): chr1:115,738,353, C>G on the plus strand (G>C on the coding strand, the complement: CASQ2 is on the minus strand). VCF-style: chr1-115738353-C-G. GRCh37 (hg19) VCF-style: chr1-116280974-C-G.
Identifiers: ClinVar variation 670158 (VCV000670158.10), dbSNP rs202228431, ClinGen allele CA1023910.
Genomic context (GRCh38, chr1:115,738,353, plus strand): 5'-CTTCCAGTTTGCTGCTGATGATCTCCACTGGGTCTTCAATTAGCTGAAATGCCACACGCA[C>G]ATACACACATGTTCAAACAAGAGATTTCCTTCTTCACTGGGGAAACAGAGTGCATTGGAG-3'

ClinVar aggregate classification (germline): Benign/Likely benign. Review status: criteria provided, multiple submitters, no conflicts (2 of 4 stars). 3 submissions from 3 submitters: Benign (2); Likely benign (1). Last evaluated 2026-01-28.

Conditions:
Catecholaminergic polymorphic ventricular tachycardia 2. Also called: CASQ2-Related Catecholaminergic Polymorphic Ventricular Tachycardia; VENTRICULAR TACHYCARDIA, STRESS-INDUCED POLYMORPHIC 2. Identifiers: Orphanet 3286, MedGen C2677794, MONDO:0012762, OMIM 611938.
Catecholaminergic polymorphic ventricular tachycardia 1. Also called: VENTRICULAR TACHYCARDIA, CATECHOLAMINERGIC POLYMORPHIC, 1, WITH OR WITHOUT ATRIAL DYSFUNCTION AND/OR DILATED CARDIOMYOPATHY; RYR2-Related Catecholaminergic Polymorphic Ventricular Tachycardia; VENTRICULAR TACHYCARDIA, STRESS-INDUCED POLYMORPHIC 1. Identifiers: Orphanet 3286, MedGen C1631597, MONDO:0011484, OMIM 604772.

Allele frequency attached by ClinVar (database versions not stated): gnomAD 0.00011; 1000 Genomes Project 30x 0.00016; TOPMed 0.00017; 1000 Genomes Project 0.00020; gnomAD exomes 0.00033; ExAC 0.00036.
gnomAD v4.1: 96 of 1,390,716 alleles (0.0069%); highest among the groups gnomAD compares: East Asian, 0.21%; 1 homozygote.

Submissions (3):

Labcorp Genetics (formerly Invitae), Labcorp
Classification: Benign for Catecholaminergic polymorphic ventricular tachycardia 1. Last evaluated: 2026-01-28. Review status: criteria provided, single submitter. Criteria: Invitae Variant Classification Sherloc (09022015). Collection method: clinical testing. Allele origin: germline.

Genome-Nilou Lab
Classification: Benign for Catecholaminergic polymorphic ventricular tachycardia 2. Last evaluated: 2023-04-11. Review status: criteria provided, single submitter. Criteria: ACMG Guidelines, 2015. Collection method: clinical testing. Allele origin: germline. Affected: no.

GeneDx
Classification: Likely benign. Last evaluated: 2018-05-30. Review status: criteria provided, single submitter. Criteria: GeneDx Variant Classification (06012015). Collection method: clinical testing. Allele origin: germline. Affected: yes.
Comment: This variant is considered likely benign or benign based on one or more of the following criteria: it is a conservative change, it occurs at a poorly conserved position in the protein, it is predicted to be benign by multiple in silico algorithms, and/or has population frequency not consistent with disease.